The following is an entry in ClinVar:

NM_003072.5(SMARCA4):c.1680C>G (p.Tyr560Ter)

Gene: SMARCA4 (SWI/SNF related BAF chromatin remodeling complex subunit ATPase 4; plus strand). Cytogenetic location: 19p13.2.
Variant type: single nucleotide variant.
Coding change: c.1680C>G on transcript NM_003072.5 (MANE Select); coding-DNA position 1680, C replaced by G.
Protein change: p.Tyr560Ter; replaces tyrosine 560 with a stop codon.
Molecular consequence: nonsense. On other transcripts: non-coding transcript variant (1).
Genome position (GRCh38, 1-based): chr19:10,996,299, C>G. VCF-style: chr19-10996299-C-G. GRCh37 (hg19) VCF-style: chr19-11106975-C-G.
Other names: c.1680C>G, p.Tyr560Ter (NM_001128844.3, NM_001128845.2, NM_001128846.2 and 4 more transcripts); short protein forms Y560*.
Identifiers: ClinVar variation 940629 (VCV000940629.7), dbSNP rs375507937, ClinGen allele CA404064411.

ClinVar aggregate classification (germline): Pathogenic (1 of 4 stars; one submission).

Conditions:
Rhabdoid tumor predisposition syndrome 2 (RTPS2). Identifiers: Orphanet 231108, Orphanet 69077, MedGen C2750074, MONDO:0013224, OMIM 613325.

Submission:

Labcorp Genetics (formerly Invitae), Labcorp
Classification: Pathogenic for Rhabdoid tumor predisposition syndrome 2. Last evaluated: 2019-06-24. Review status: criteria provided, single submitter. Criteria: Invitae Variant Classification Sherloc (09022015). Collection method: clinical testing. Allele origin: germline.
Comment: For these reasons, this variant has been classified as Pathogenic. Loss-of-function variants in SMARCA4 are known to be pathogenic (PMID: 24658001, 24658002). This variant has not been reported in the literature in individuals with SMARCA4-related conditions. This variant is not present in population databases (ExAC no frequency). This sequence change creates a premature translational stop signal (p.Tyr560*) in the SMARCA4 gene. It is expected to result in an absent or disrupted protein product.

Literature cited by the submitters: PubMed 24658001; PubMed 24658002.